The following is an entry in ClinVar:

ClinVar aggregate classification (germline): Likely pathogenic (1 of 4 stars; one submission).

Conditions:
Neuropathy, hereditary motor and sensory, type 6B (HMSN6B). Also called: HMSN VIB; CHARCOT-MARIE-TOOTH DISEASE, TYPE 6B; NEUROPATHY, HEREDITARY MOTOR AND SENSORY, TYPE VIB, WITH OPTIC ATROPHY; Neuropathy, hereditary motor and sensory, type VIB. Identifiers: MedGen C4225302, MONDO:0014671, OMIM 616505.

Allele frequency attached by ClinVar (database versions not stated): gnomAD exomes below 0.00001; TOPMed below 0.00001.

Submission:

Labcorp Genetics (formerly Invitae), Labcorp
Classification: Likely pathogenic for Neuropathy, hereditary motor and sensory, type 6B. Last evaluated: 2021-11-06. Review status: criteria provided, single submitter. Criteria: Invitae Variant Classification Sherloc (09022015). Collection method: clinical testing. Allele origin: germline.
Comment: This variant is not present in population databases (gnomAD no frequency). In summary, the currently available evidence indicates that the variant is pathogenic, but additional data are needed to prove that conclusively. Therefore, this variant has been classified as Likely Pathogenic. Algorithms developed to predict the effect of sequence changes on RNA splicing suggest that this variant may disrupt the consensus splice site. This variant has not been reported in the literature in individuals affected with SLC25A46-related conditions. This sequence change affects an acceptor splice site in intron 3 of the SLC25A46 gene. It is expected to disrupt RNA splicing. Variants that disrupt the donor or acceptor splice site typically lead to a loss of protein function (PMID: 16199547), and loss-of-function variants in SLC25A46 are known to be pathogenic (PMID: 26168012, 26951855, 27543974).

Literature cited by the submitters: PubMed 16199547; PubMed 26168012; PubMed 26951855; PubMed 27543974.

NM_138773.4(SLC25A46):c.385-2A>T

Gene: SLC25A46 (solute carrier family 25 member 46; plus strand). Cytogenetic location: 5q22.1.
Variant type: single nucleotide variant.
Coding change: c.385-2A>T on transcript NM_138773.4 (MANE Select); the canonical splice acceptor site of the intron before coding-DNA position 385, A replaced by T.
Molecular consequence: splice acceptor variant.
Genome position (GRCh38, 1-based): chr5:110,746,267, A>T. VCF-style: chr5-110746267-A-T. GRCh37 (hg19) VCF-style: chr5-110081968-A-T.
Other names: c.112-2A>T (NM_001303250.3); c.385-2A>T (NM_001303249.3).
Identifiers: ClinVar variation 1468442 (VCV001468442.6), dbSNP rs1799815535, ClinGen allele CA360694336.